The following is an entry in ClinVar:

NM_001348768.2(HECW2):c.4560A>C (p.Pro1520=)

Gene: HECW2 (HECT, C2 and WW domain containing E3 ubiquitin protein ligase 2; minus strand). Cytogenetic location: 2q32.3.
Variant type: single nucleotide variant.
Coding change: c.4560A>C on transcript NM_001348768.2 (MANE Select); coding-DNA position 4560, A replaced by C.
Protein change: p.Pro1520=; no amino-acid change (proline 1520 retained).
Molecular consequence: synonymous variant.
Genome position (GRCh38, 1-based): chr2:196,215,912, T>G on the plus strand (A>C on the coding strand, the complement: HECW2 is on the minus strand). VCF-style: chr2-196215912-T-G. GRCh37 (hg19) VCF-style: chr2-197080636-T-G.
Other names: c.3492A>C, p.Pro1164= (NM_001304840.3); c.4560A>C, p.Pro1520= (NM_020760.4).
Identifiers: ClinVar variation 712429 (VCV000712429.28), dbSNP rs149233137, ClinGen allele CA2037487.

ClinVar aggregate classification (germline): Likely benign. Review status: criteria provided, multiple submitters, no conflicts (2 of 4 stars). 3 submissions from 3 submitters: Likely benign (3). Last evaluated 2023-09-22.

Allele frequency attached by ClinVar (database versions not stated): gnomAD exomes 0.00006 and 0.00016; ExAC 0.00016; gnomAD 0.00048 and 0.00050; 1000 Genomes Project 0.00060; 1000 Genomes Project 30x 0.00062; ESP Exome Variant Server 0.00062; TOPMed 0.00067.
gnomAD v4.1: 175 of 1,614,084 alleles (0.011%); highest among the groups gnomAD compares: African/African-American, 0.19%; no homozygotes.

Submissions (3):

Blueprint Genetics
Classification: Likely benign. Last evaluated: 2023-09-22. Review status: criteria provided, single submitter. Criteria: ACMG Guidelines, 2015. Collection method: clinical testing. Allele origin: germline.

CeGaT Center for Human Genetics Tuebingen
Classification: Likely benign. Last evaluated: 2023-04-01. Review status: criteria provided, single submitter. Criteria: CeGaT Center For Human Genetics Tuebingen Variant Classification Criteria Version 2. Collection method: clinical testing. Allele origin: germline. Affected: yes. Observed: 1 variant allele.
Comment: HECW2: BP4, BP7, BS1

Labcorp Genetics (formerly Invitae), Labcorp
Classification: Likely benign. Last evaluated: 2018-06-14. Review status: criteria provided, single submitter. Criteria: Invitae Variant Classification Sherloc (09022015). Collection method: clinical testing. Allele origin: germline.